The following is an entry in ClinVar:

ClinVar aggregate classification (germline): Uncertain significance. Review status: criteria provided, multiple submitters, no conflicts (2 of 4 stars). 2 submissions from 2 submitters: Uncertain significance (2). Last evaluated 2025-08-29.

Conditions:
Charcot-Marie-Tooth disease type 2A1. Also called: CHARCOT-MARIE-TOOTH DISEASE, AXONAL, TYPE 2A1; CHARCOT-MARIE-TOOTH DISEASE, AXONAL, AUTOSOMAL DOMINANT, TYPE 2A1; CHARCOT-MARIE-TOOTH DISEASE, NEURONAL, TYPE 2A1; CHARCOT-MARIE-TOOTH NEUROPATHY, TYPE 2A1; HEREDITARY MOTOR AND SENSORY NEUROPATHY IIA1. Identifiers: Orphanet 99946, MedGen C1861678, MONDO:0007308, OMIM 118210.
Neuroblastoma, susceptibility to, 1. Identifiers: MedGen C2749485, MONDO:0009741, OMIM 256700.

gnomAD v4.1: 1 of 1,614,164 alleles (0.000062%); no homozygotes.

Submissions (2):

Ambry Genetics
Classification: Uncertain significance. Last evaluated: 2025-08-29. Review status: criteria provided, single submitter. Criteria: Ambry Variant Classification Scheme 2023. Collection method: clinical testing. Allele origin: germline.
Comment: The p.S1527N variant (also known as c.4580G>A), located in coding exon 40 of the KIF1B gene, results from a G to A substitution at nucleotide position 4580. The serine at codon 1527 is replaced by asparagine, an amino acid with highly similar properties. This amino acid position is conserved. In addition, this alteration is predicted to be tolerated by in silico analysis. Based on the available evidence, the clinical significance of this variant remains unclear.

Fulgent Genetics
Classification: Uncertain significance for Charcot-Marie-Tooth disease type 2A1; Neuroblastoma, susceptibility to, 1. Last evaluated: 2024-02-29. Review status: criteria provided, single submitter. Criteria: ACMG Guidelines, 2015. Collection method: clinical testing. Allele origin: germline.

NM_001365951.3(KIF1B):c.4718G>A (p.Ser1573Asn)

Gene: KIF1B (kinesin family member 1B; plus strand). Cytogenetic location: 1p36.22.
Variant type: single nucleotide variant.
Coding change: c.4718G>A on transcript NM_001365951.3 (MANE Select); coding-DNA position 4718, G replaced by A.
Protein change: p.Ser1573Asn; replaces serine 1573 with asparagine.
Molecular consequence: missense variant.
Genome position (GRCh38, 1-based): chr1:10,365,614, G>A. VCF-style: chr1-10365614-G-A. GRCh37 (hg19) VCF-style: chr1-10425672-G-A.
Other names: c.4718G>A, p.Ser1573Asn (NM_001365952.1); c.4580G>A, p.Ser1527Asn (NM_015074.3); short protein forms S1527N, S1573N.
Identifiers: ClinVar variation 3599967 (VCV003599967.2).
Genomic context (GRCh38, chr1:10,365,614, plus strand): 5'-CCTTTGAAAGCGCCATCACACCTAGCGAGAGCAGTGGCTATGATTCAGGAGACATCGAAA[G>A]CCTGGTGGACCGAGAGAAAGAGCTGGCTACCAAGGTGTGAATCCCTTCCTCTTTGCTGAA-3'
Protein context (NP_001352880.1, residues 1563-1583): SSGYDSGDIE[Ser1573Asn]LVDREKELAT